The following is an entry in ClinVar:

NM_005477.3(HCN4):c.331_351del (p.Gly111_Ser117del)

Gene: HCN4 (hyperpolarization activated cyclic nucleotide gated potassium channel 4; minus strand). Cytogenetic location: 15q24.1.
Variant type: Deletion.
Coding change: c.331_351del on transcript NM_005477.3 (MANE Select); coding-DNA positions 331 to 351, 21 bases deleted (GGCGGCACGGGGAGCGGCAGC).
Protein change: p.Gly111_Ser117del.
Genome position (GRCh38, 1-based): chr15:73,367,920-73,367,940, GCTGCCGCTCCCCGTGCCGCC deleted on the plus strand (GGCGGCACGGGGAGCGGCAGC on the coding strand, the reverse complement: HCN4 is on the minus strand); deleting any 21 consecutive bases within chr15:73,367,920-73,367,948 gives the same sequence; the c. name uses the placement nearest the transcript's 3' end. VCF-style (leftmost placement, unchanged base first): chr15-73367919-TGCTGCCGCTCCCCGTGCCGCC-T. GRCh37 (hg19) VCF-style: chr15-73660260-TGCTGCCGCTCCCCGTGCCGCC-T.
Identifiers: ClinVar variation 4765098 (VCV004765098.1).

ClinVar aggregate classification (germline): Uncertain significance (1 of 4 stars; one submission).

Conditions:
Brugada syndrome 8 (BRGDA8). Identifiers: Orphanet 130, MedGen C2751083, MONDO:0013148, OMIM 613123.

Submission:

Labcorp Genetics (formerly Invitae), Labcorp
Classification: Uncertain significance for Brugada syndrome 8. Last evaluated: 2025-05-22. Review status: criteria provided, single submitter. Criteria: Invitae Variant Classification Sherloc (09022015). Collection method: clinical testing. Allele origin: germline.
Comment: This variant, c.331_351del, results in the deletion of 7 amino acid(s) of the HCN4 protein (p.Gly111_Ser117del), but otherwise preserves the integrity of the reading frame. This variant is not present in population databases (gnomAD no frequency). This variant has not been reported in the literature in individuals affected with HCN4-related conditions. Experimental studies and prediction algorithms are not available or were not evaluated, and the functional significance of this variant is currently unknown. In summary, the available evidence is currently insufficient to determine the role of this variant in disease. Therefore, it has been classified as a Variant of Uncertain Significance.